The following is an entry in ClinVar:

ClinVar aggregate classification (germline): Likely benign (0 of 4 stars; one submission).

Conditions:
DYNC1H1-related disorder. Also called: DYNC1H1-related condition; DYNC1H1-related disorders. Identifiers: MedGen CN381529.

Submission:

PreventionGenetics, part of Exact Sciences
Classification: Likely benign for DYNC1H1-related condition. Last evaluated: 2024-08-20. Review status: no assertion criteria provided. Collection method: clinical testing. Allele origin: germline.
Comment: This variant is classified as likely benign based on ACMG/AMP sequence variant interpretation guidelines (Richards et al. 2015 PMID: 25741868, with internal and published modifications).

NM_001376.5(DYNC1H1):c.4416T>G (p.Thr1472=)

Gene: DYNC1H1 (dynein cytoplasmic 1 heavy chain 1; plus strand). Cytogenetic location: 14q32.31.
Variant type: single nucleotide variant.
Coding change: c.4416T>G on transcript NM_001376.5 (MANE Select); coding-DNA position 4416, T replaced by G.
Protein change: p.Thr1472=; no amino-acid change (threonine 1472 retained).
Molecular consequence: synonymous variant.
Genome position (GRCh38, 1-based): chr14:102,001,555, T>G. VCF-style: chr14-102001555-T-G. GRCh37 (hg19) VCF-style: chr14-102467892-T-G.
Identifiers: ClinVar variation 3344567 (VCV003344567.1).
Genomic context (GRCh38, chr14:102,001,555, plus strand): 5'-CCACATATTGATAACATGCATCTTTCTGGTTTGAATTCAGATAAGAGAAGTGTGGAATAC[T>G]TATGAACTAGACTTGGTTAATTATCAGAACAAGTGCCGCTTGATCCGTGGCTGGGATGAC-3'
Protein context (NP_001367.2, residues 1462-1482): FLKQIREVWN[Thr1472=]YELDLVNYQN